The following is an entry in ClinVar:

NM_002386.4(MC1R):c.163G>A (p.Glu55Lys)

Gene: MC1R (melanocortin 1 receptor; plus strand). Cytogenetic location: 16q24.3.
Variant type: single nucleotide variant.
Coding change: c.163G>A on transcript NM_002386.4 (MANE Select); coding-DNA position 163, G replaced by A.
Protein change: p.Glu55Lys; replaces glutamic acid 55 with lysine.
Molecular consequence: missense variant.
Genome position (GRCh38, 1-based): chr16:89,919,421, G>A. VCF-style: chr16-89919421-G-A. GRCh37 (hg19) VCF-style: chr16-89985829-G-A.
Other names: short protein forms E55K.
Identifiers: ClinVar variation 4052395 (VCV004052395.1).

ClinVar aggregate classification (germline): Uncertain significance (1 of 4 stars; one submission).

Submission:

Ambry Genetics
Classification: Uncertain significance. Last evaluated: 2025-03-26. Review status: criteria provided, single submitter. Criteria: Ambry Variant Classification Scheme 2023. Collection method: clinical testing. Allele origin: germline.
Comment: The p.E55K variant (also known as c.163G>A), located in coding exon 1 of the MC1R gene, results from a G to A substitution at nucleotide position 163. The glutamic acid at codon 55 is replaced by lysine, an amino acid with similar properties. This amino acid position is conserved. In addition, this alteration is predicted to be deleterious by in silico analysis. Based on the available evidence, the clinical significance of this variant remains unclear.